The following is an entry in ClinVar:

ClinVar aggregate classification (germline): Conflicting classifications of pathogenicity. Review status: criteria provided, conflicting classifications (1 of 4 stars). 2 submissions from 2 submitters: Likely pathogenic (1); Uncertain significance (1). Last evaluated 2025-03-14.

Conditions:
Intellectual developmental disorder, X-linked, syndromic, with pigmentary mosaicism and coarse facies. Identifiers: MedGen C5561930, MONDO:0859080, OMIM 301066.
TFE3-related disorder. Also called: TFE3-related condition.

Submissions (2):

PreventionGenetics, part of Exact Sciences
Classification: Uncertain significance for TFE3-related condition. Last evaluated: 2025-03-14. Review status: criteria provided, single submitter. Criteria: ACMG Guidelines, 2015. Collection method: clinical testing. Allele origin: germline.
Comment: The TFE3 c.556C>T variant is predicted to result in the amino acid substitution p.Pro186Ser. To our knowledge this variant has not been reported in the literature or in a large population database (gnomAD), indicating this variant is rare. Different variants resulting in amino acid substitutions at codon 186 have been reported as likely pathogenic in ClinVar (see variation IDs: 992855 and 2505508). Although we suspect this variant may be pathogenic, at this time, the clinical significance of this variant is uncertain due to the absence of conclusive functional and genetic evidence.

Greenwood Genetic Center Diagnostic Laboratories, Greenwood Genetic Center
Classification: Likely pathogenic for Intellectual developmental disorder, X-linked, syndromic, with pigmentary mosaicism and coarse facies. Last evaluated: 2022-08-18. Review status: criteria provided, single submitter. Criteria: ACMG Guidelines, 2015. Collection method: clinical testing. Allele origin: germline. Affected: yes.
Comment: PM2, PM5, PM1

NM_006521.6(TFE3):c.556C>T (p.Pro186Ser)

Gene: TFE3 (transcription factor binding to IGHM enhancer 3; minus strand). Cytogenetic location: Xp11.23.
Variant type: single nucleotide variant.
Coding change: c.556C>T on transcript NM_006521.6 (MANE Select); coding-DNA position 556, C replaced by T.
Protein change: p.Pro186Ser; replaces proline 186 with serine.
Molecular consequence: missense variant.
Genome position (GRCh38, 1-based): chrX:49,038,421, G>A on the plus strand (C>T on the coding strand, the complement: TFE3 is on the minus strand). VCF-style: chrX-49038421-G-A. GRCh37 (hg19) VCF-style: chrX-48895946-G-A.
Other names: c.556C>T (NM_006521.5); c.241C>T, p.Pro81Ser (NM_001282142.2); short protein forms P186S, P81S.
Identifiers: ClinVar variation 1710361 (VCV001710361.4), dbSNP rs2520162033, ClinGen allele CA412910956.